The following is an entry in ClinVar:

ClinVar aggregate classification (germline): Uncertain significance (1 of 4 stars; one submission).

Allele frequency attached by ClinVar (database versions not stated): gnomAD exomes below 0.00001; TOPMed below 0.00001.
gnomAD v4.1: 7 of 1,594,338 alleles (0.00044%); highest among the groups gnomAD compares: East Asian, 0.0022%; no homozygotes.

Submission:

GeneDx
Classification: Uncertain significance. Last evaluated: 2019-09-06. Review status: criteria provided, single submitter. Criteria: GeneDx Variant Classification Process June 2021. Collection method: clinical testing. Allele origin: germline. Affected: yes.
Comment: In silico analysis, which includes protein predictors and evolutionary conservation, supports that this variant does not alter protein structure/function; Reliable data not available from control populations to assess the frequency of this variant; Has not been previously published as pathogenic or benign to our knowledge

NM_001206999.2(CIT):c.6025C>T (p.Arg2009Cys)

Gene: CIT (citron rho-interacting serine/threonine kinase; minus strand). Cytogenetic location: 12q24.23.
Variant type: single nucleotide variant.
Coding change: c.6025C>T on transcript NM_001206999.2 (MANE Select); coding-DNA position 6025, C replaced by T.
Protein change: p.Arg2009Cys; replaces arginine 2009 with cysteine.
Molecular consequence: missense variant.
Genome position (GRCh38, 1-based): chr12:119,690,312, G>A on the plus strand (C>T on the coding strand, the complement: CIT is on the minus strand). VCF-style: chr12-119690312-G-A. GRCh37 (hg19) VCF-style: chr12-120128117-G-A.
Other names: c.5899C>T, p.Arg1967Cys (NM_007174.3); short protein forms R1967C, R2009C.
Identifiers: ClinVar variation 1308178 (VCV001308178.2), dbSNP rs1486690726, ClinGen allele CA386521994.
Genomic context (GRCh38, chr12:119,690,312, plus strand): 5'-TGAGCATCCGGCCGGGGGACTTCTCTCGCTCCAGGGGGCGGCCAGGAGACTTGTCCCTGC[G>A]CAGCTCGGTCCGCCCCTCGCGGTAGCGGTGGGGTGTGCTTGGCTCTCGCGGGTGGCTGGG-3'
Protein context (NP_001193928.1, residues 1999-2019): HRYREGRTEL[Arg2009Cys]RDKSPGRPLE